The following is an entry in ClinVar:

NM_000264.5(PTCH1):c.2703+6C>G

Gene: PTCH1 (patched 1; minus strand). Cytogenetic location: 9q22.32.
Variant type: single nucleotide variant.
Coding change: c.2703+6C>G on transcript NM_000264.5 (MANE Select); 6 bases into the intron after coding-DNA position 2703, C replaced by G.
Molecular consequence: intron variant.
Genome position (GRCh38, 1-based): chr9:95,461,850, G>C on the plus strand (C>G on the coding strand, the complement: PTCH1 is on the minus strand). VCF-style: chr9-95461850-G-C. GRCh37 (hg19) VCF-style: chr9-98224132-G-C.
Other names: c.2700+6C>G (NM_001083603.3); c.2505+6C>G (NM_001083602.3); c.2547+6C>G (NM_001354918.2); c.2250+6C>G (NM_001083605.3, NM_001083604.3, NM_001083606.3 and 1 more transcripts).
Identifiers: ClinVar variation 578212 (VCV000578212.9), dbSNP rs956716678, ClinGen allele CA196579097.

ClinVar aggregate classification (germline): Uncertain significance (1 of 4 stars; one submission).

Conditions:
Gorlin syndrome. Also called: Basal cell nevus syndrome; Nevoid Basal Cell Carcinoma Syndrome. Identifiers: Orphanet 377, MedGen C0004779, MONDO:0007187.

Allele frequency attached by ClinVar (database versions not stated): gnomAD exomes below 0.00001; TOPMed below 0.00001.
gnomAD v4.1: 3 of 1,614,140 alleles (0.00019%); highest among the groups gnomAD compares: Admixed American, 0.0017%; no homozygotes.

Submission:

Labcorp Genetics (formerly Invitae), Labcorp
Classification: Uncertain significance for Gorlin syndrome. Last evaluated: 2025-10-22. Review status: criteria provided, single submitter. Criteria: Invitae Variant Classification Sherloc (09022015). Collection method: clinical testing. Allele origin: germline.
Comment: This sequence change falls in intron 16 of the PTCH1 gene. It does not directly change the encoded amino acid sequence of the PTCH1 protein. It affects a nucleotide within the consensus splice site. This variant is not present in population databases (gnomAD no frequency). This variant has not been reported in the literature in individuals affected with PTCH1-related conditions. ClinVar contains an entry for this variant (Variation ID: 578212). Variants that disrupt the consensus splice site are a relatively common cause of aberrant splicing (PMID: 17576681, 9536098). Algorithms developed to predict the effect of sequence changes on RNA splicing suggest that this variant is not likely to affect RNA splicing. In summary, the available evidence is currently insufficient to determine the role of this variant in disease. Therefore, it has been classified as a Variant of Uncertain Significance.

Literature cited by the submitters: PubMed 17576681; PubMed 9536098.